The following is an entry in ClinVar:

ClinVar aggregate classification (germline): Conflicting classifications of pathogenicity. Review status: criteria provided, conflicting classifications (1 of 4 stars). 5 submissions from 5 submitters: Uncertain significance (1); Likely benign (3). 1 of the submissions does not count toward it. Last evaluated 2025-10-02.

Conditions:
CD164-related disorder. Also called: CD164-related condition.

Allele frequency attached by ClinVar (database versions not stated): gnomAD exomes 0.00023 and 0.00008; ExAC 0.00026; 1000 Genomes Project 30x 0.00031; gnomAD 0.00007 and 0.00009; ESP Exome Variant Server 0.00008; TOPMed 0.00016; 1000 Genomes Project 0.00020.
gnomAD v4.1: 129 of 1,611,998 alleles (0.008%); highest among the groups gnomAD compares: Middle Eastern, 0.17%; no homozygotes.

Submissions (5):

Labcorp Genetics (formerly Invitae), Labcorp
Classification: Uncertain significance. Last evaluated: 2025-10-02. Review status: criteria provided, single submitter. Criteria: Invitae Variant Classification Sherloc (09022015). Collection method: clinical testing. Allele origin: germline.
Comment: This sequence change affects codon 110 of the CD164 mRNA. It is a 'silent' change, meaning that it does not change the encoded amino acid sequence of the CD164 protein. It affects a nucleotide within the consensus splice site. This variant is present in population databases (rs199887608, gnomAD 0.1%), and has an allele count higher than expected for a pathogenic variant. This variant has not been reported in the literature in individuals affected with CD164-related conditions. ClinVar contains an entry for this variant (Variation ID: 667083). Algorithms developed to predict the effect of sequence changes on RNA splicing suggest that this variant is not likely to affect RNA splicing. In summary, the available evidence is currently insufficient to determine the role of this variant in disease. Therefore, it has been classified as a Variant of Uncertain Significance.

GeneDx
Classification: Likely benign. Last evaluated: 2020-08-25. Review status: criteria provided, single submitter. Criteria: GeneDx Variant Classification Process June 2021. Collection method: clinical testing. Allele origin: germline. Affected: yes.

Laboratory for Molecular Medicine, Mass General Brigham Personalized Medicine
Classification: Likely benign. Last evaluated: 2018-08-24. Review status: criteria provided, single submitter. Criteria: LMM Criteria. Collection method: clinical testing. Allele origin: germline. Observed: 1 variant allele.
Comment: The p.Ser110Ser variant in CD164 is classified as likely benign because it does not alter an amino acid residue, it is not located within the splice consensus s equence, and splice prediction algorithms do not predict a newly created splice site. It has also been identified in 43/34398 Latino chromosomes by the Genome A ggregation Database (gnomAD). ACMG/AMP Criteri a applied: BS1, BP4, BP7.

Breakthrough Genomics
Classification: Likely benign. Review status: criteria provided, single submitter. Criteria: ACMG Guidelines, 2015. Collection method: not provided. Allele origin: germline. Inheritance: Autosomal dominant inheritance. Affected: yes.

PreventionGenetics, part of Exact Sciences
Classification: Likely benign for CD164-related condition. Last evaluated: 2024-05-15. Review status: no assertion criteria provided. Collection method: clinical testing. Allele origin: germline. Not counted in ClinVar's aggregate classification.
Comment: This variant is classified as likely benign based on ACMG/AMP sequence variant interpretation guidelines (Richards et al. 2015 PMID: 25741868, with internal and published modifications).

NM_006016.6(CD164):c.330C>T (p.Ser110=)

Gene: CD164 (CD164 molecule; minus strand). Cytogenetic location: 6q21.
Variant type: single nucleotide variant.
Coding change: c.330C>T on transcript NM_006016.6 (MANE Select); coding-DNA position 330, C replaced by T.
Protein change: p.Ser110=; no amino-acid change (serine 110 retained).
Molecular consequence: synonymous variant.
Genome position (GRCh38, 1-based): chr6:109,377,901, G>A on the plus strand (C>T on the coding strand, the complement: CD164 is on the minus strand). VCF-style: chr6-109377901-G-A. GRCh37 (hg19) VCF-style: chr6-109699104-G-A.
Other names: c.330C>T (NM_006016.5); c.330C>T, p.Ser110= (NM_001142401.3, NM_001142402.3, NM_001142403.3 and 1 more transcripts); c.228C>T, p.Ser76= (NM_001346500.2).
Identifiers: ClinVar variation 667083 (VCV000667083.11), dbSNP rs199887608, ClinGen allele CA3951598.